The following is an entry in ClinVar:

NM_003361.4(UMOD):c.113A>T (p.Asn38Ile)

Gene: UMOD (uromodulin; minus strand). Cytogenetic location: 16p12.3.
Variant type: single nucleotide variant.
Coding change: c.113A>T on transcript NM_003361.4 (MANE Select); coding-DNA position 113, A replaced by T.
Protein change: p.Asn38Ile; replaces asparagine 38 with isoleucine.
Molecular consequence: missense variant. On other transcripts: non-coding transcript variant (1).
Genome position (GRCh38, 1-based): chr16:20,349,188, T>A on the plus strand (A>T on the coding strand, the complement: UMOD is on the minus strand). VCF-style: chr16-20349188-T-A. GRCh37 (hg19) VCF-style: chr16-20360510-T-A.
Other names: p.Asn38Ile; c.212A>T, p.Asn71Ile (NM_001278614.2); c.113A>T, p.Asn38Ile (NM_001378232.1, NM_001378233.1, NM_001378234.1 and 3 more transcripts); short protein forms N38I, N71I.
Identifiers: ClinVar variation 4526867 (VCV004526867.1).

ClinVar aggregate classification (germline): Uncertain significance (1 of 4 stars; one submission).

Conditions:
Familial juvenile hyperuricemic nephropathy type 1 (ADTKD1). Also called: Autosomal Dominant Tubulointerstitial Kidney Disease – UMOD; Glomerulocystic kidney disease with hyperuricemia and isosthenuria; Medullary cystic kidney disease 2; UMOD-Associated Kidney Disease; Uromodulin-associated kidney disease. Identifiers: Orphanet 209886, Orphanet 34149, Orphanet 88950, MedGen C4551496, MONDO:0008073, OMIM 162000.

Submission:

Department of Nephrology, Nanchong Central Hospital
Classification: Uncertain significance for Familial juvenile hyperuricemic nephropathy type 1. Review status: criteria provided, single submitter. Criteria: ACMG Guidelines, 2015. Collection method: provider interpretation. Allele origin: germline. Inheritance: Autosomal dominant inheritance. Affected: yes. Observed: 1 heterozygote.
Comment: Classification based on ACMG guidelines. Evidence includes: PM2: Absent from population databases (a rare variant). PP5: Reputable source reports this variant as pathogenic, but the evidence is not available for independent evaluation. Note: This variant has been reported in the literature in patients with ADTKD.

Literature cited by the submitters: DOI 10.1186/s12887-019-1522-7; DOI 10.1038/s41598-020-79331-w.